The following is an entry in ClinVar:

ClinVar aggregate classification (germline): Uncertain significance (1 of 4 stars; one submission).

Conditions:
Papillon-Lefèvre syndrome (PALS). Also called: KERATOSIS PALMOPLANTARIS WITH PERIODONTOPATHIA; Papillon-Lefevre Disease. Identifiers: Orphanet 678, MedGen C0030360, MONDO:0009490, OMIM 245000.
Periodontitis, aggressive. Identifiers: MedGen C0031106, MONDO:0980757.
Haim-Munk syndrome (HMS). Also called: COCHIN JEWISH DISORDER; KERATOSIS PALMOPLANTARIS WITH PERIODONTOPATHIA AND ONYCHOGRYPOSIS. Identifiers: Orphanet 2342, MedGen C1855627, MONDO:0009491, OMIM 245010.

Allele frequency attached by ClinVar (database versions not stated): gnomAD 0.00001; gnomAD exomes below 0.00001.
gnomAD v4.1: 4 of 1,614,028 alleles (0.00025%); highest among the groups gnomAD compares: African/African-American, 0.004%; no homozygotes.

Submission:

Labcorp Genetics (formerly Invitae), Labcorp
Classification: Uncertain significance for Haim-Munk syndrome; Periodontitis, aggressive; Papillon-Lefèvre syndrome. Last evaluated: 2022-08-23. Review status: criteria provided, single submitter. Criteria: Invitae Variant Classification Sherloc (09022015). Collection method: clinical testing. Allele origin: germline.
Comment: This sequence change replaces tyrosine, which is neutral and polar, with cysteine, which is neutral and slightly polar, at codon 150 of the CTSC protein (p.Tyr150Cys). This variant is present in population databases (no rsID available, gnomAD 0.007%). This variant has not been reported in the literature in individuals affected with CTSC-related conditions. ClinVar contains an entry for this variant (Variation ID: 1475798). Algorithms developed to predict the effect of missense changes on protein structure and function are either unavailable or do not agree on the potential impact of this missense change (SIFT: "Not Available"; PolyPhen-2: "Benign"; Align-GVGD: "Not Available"). In summary, the available evidence is currently insufficient to determine the role of this variant in disease. Therefore, it has been classified as a Variant of Uncertain Significance.

NM_001814.6(CTSC):c.449A>G (p.Tyr150Cys)

Gene: CTSC (cathepsin C; minus strand). Cytogenetic location: 11q14.2.
Variant type: single nucleotide variant.
Coding change: c.449A>G on transcript NM_001814.6 (MANE Select); coding-DNA position 449, A replaced by G.
Protein change: p.Tyr150Cys; replaces tyrosine 150 with cysteine.
Molecular consequence: missense variant.
Genome position (GRCh38, 1-based): chr11:88,312,424, T>C on the plus strand (A>G on the coding strand, the complement: CTSC is on the minus strand). VCF-style: chr11-88312424-T-C. GRCh37 (hg19) VCF-style: chr11-88045592-T-C.
Other names: short protein forms Y150C.
Identifiers: ClinVar variation 1475798 (VCV001475798.5), dbSNP rs1036551435, ClinGen allele CA225428149.